The following is an entry in ClinVar:

NM_206933.4(USH2A):c.1388A>G (p.Tyr463Cys)

Gene: USH2A (usherin; minus strand). Cytogenetic location: 1q41.
Variant type: single nucleotide variant.
Coding change: c.1388A>G on transcript NM_206933.4 (MANE Select); coding-DNA position 1388, A replaced by G.
Protein change: p.Tyr463Cys; replaces tyrosine 463 with cysteine.
Molecular consequence: missense variant.
Genome position (GRCh38, 1-based): chr1:216,323,636, T>C on the plus strand (A>G on the coding strand, the complement: USH2A is on the minus strand). VCF-style: chr1-216323636-T-C. GRCh37 (hg19) VCF-style: chr1-216496978-T-C.
Other names: c.1388A>G, p.Tyr463Cys (NM_007123.6); c.1388A>G (NM_206933.2); short protein forms Y463C.
Identifiers: ClinVar variation 1008964 (VCV001008964.8), dbSNP rs139997881, ClinGen allele CA1396532.

ClinVar aggregate classification (germline): Uncertain significance. Review status: criteria provided, multiple submitters, no conflicts (2 of 4 stars). 7 submissions from 6 submitters: Uncertain significance (6). 1 of the submissions does not count toward it. Last evaluated 2025-03-03.

Conditions:
Inborn genetic diseases. Identifiers: MedGen C0950123, MeSH D030342.
Retinitis pigmentosa 39 (RP39). Identifiers: Orphanet 791, MedGen C3151138, MONDO:0013436, OMIM 613809.
Usher syndrome type 2A. Also called: USHER SYNDROME, TYPE IIA; RETINAL DISEASE IN USHER SYNDROME TYPE IIA, MODIFIER OF. Identifiers: Orphanet 231178, Orphanet 886, MedGen C1848634, MONDO:0010169, OMIM 276901.

Allele frequency attached by ClinVar (database versions not stated): ExAC 0.00002; gnomAD 0.00004 and 0.00003; TOPMed 0.00004; ESP Exome Variant Server 0.00008; gnomAD exomes 0.00002 and 0.00001.
gnomAD v4.1: 9 of 1,613,500 alleles (0.00056%); highest among the groups gnomAD compares: African/African-American, 0.0093%; no homozygotes.

Submissions (7):

GeneDx
Classification: Uncertain significance. Last evaluated: 2025-03-03. Review status: criteria provided, single submitter. Criteria: GeneDx Variant Classification Process June 2021. Collection method: clinical testing. Allele origin: germline. Affected: yes.
Comment: In silico analysis indicates that this missense variant does not alter protein structure/function; Has not been previously published as pathogenic or benign to our knowledge

Ambry Genetics
Classification: Uncertain significance for Inborn genetic diseases. Last evaluated: 2024-04-18. Review status: criteria provided, single submitter. Criteria: Ambry Variant Classification Scheme 2023. Collection method: clinical testing. Allele origin: germline.

Genome-Nilou Lab
Classification: Uncertain significance for Retinitis pigmentosa 39. Last evaluated: 2023-11-04. Review status: criteria provided, single submitter. Criteria: ACMG Guidelines, 2015. Collection method: clinical testing. Allele origin: germline. Affected: no.

Genome-Nilou Lab
Classification: Uncertain significance for Usher syndrome type 2A. Last evaluated: 2023-11-04. Review status: criteria provided, single submitter. Criteria: ACMG Guidelines, 2015. Collection method: clinical testing. Allele origin: germline. Affected: no.

Labcorp Genetics (formerly Invitae), Labcorp
Classification: Uncertain significance. Last evaluated: 2022-07-06. Review status: criteria provided, single submitter. Criteria: Invitae Variant Classification Sherloc (09022015). Collection method: clinical testing. Allele origin: germline.
Comment: This sequence change replaces tyrosine, which is neutral and polar, with cysteine, which is neutral and slightly polar, at codon 463 of the USH2A protein (p.Tyr463Cys). This variant is present in population databases (rs139997881, gnomAD 0.02%). This variant has not been reported in the literature in individuals affected with USH2A-related conditions. ClinVar contains an entry for this variant (Variation ID: 1008964). Algorithms developed to predict the effect of missense changes on protein structure and function are either unavailable or do not agree on the potential impact of this missense change (SIFT: "Deleterious"; PolyPhen-2: "Benign"; Align-GVGD: "Class C15"). In summary, the available evidence is currently insufficient to determine the role of this variant in disease. Therefore, it has been classified as a Variant of Uncertain Significance.

Blueprint Genetics
Classification: Uncertain significance. Last evaluated: 2022-05-05. Review status: criteria provided, single submitter. Criteria: ACMG Guidelines, 2015. Collection method: clinical testing. Allele origin: germline.

Natera, Inc.
Classification: Uncertain significance for Usher syndrome type 2A. Last evaluated: 2021-03-25. Review status: no assertion criteria provided. Collection method: clinical testing. Allele origin: germline. Not counted in ClinVar's aggregate classification.